The following is an entry in ClinVar:

ClinVar aggregate classification (germline): Uncertain significance (1 of 4 stars; one submission).

Conditions:
Mucopolysaccharidosis type 6 (MPS6). Also called: N-ACETYLGALACTOSAMINE-4-SULFATASE DEFICIENCY; MPS VI; MPS 6; Maroteaux Lamy syndrome; ARSB DEFICIENCY; ARYLSULFATASE B DEFICIENCY. Identifiers: Orphanet 583, MedGen C0026709, MONDO:0009661, OMIM 253200.

Submission:

Laboratory of Diagnosis and Therapy of Lysosomal Disorders, University of Padova
Classification: Uncertain significance for Mucopolysaccharidosis type 6. Last evaluated: 2018-01-01. Review status: criteria provided, single submitter. Criteria: ACMG Guidelines, 2015. Collection method: curation. Allele origin: germline. Affected: yes.
Comment: Absent from GnomAD (PM2)

Literature cited by the submitters: PubMed 17643332; PubMed 30118150.

NM_000046.5(ARSB):c.413A>G (p.Tyr138Cys)

Gene: ARSB (arylsulfatase B; minus strand). Cytogenetic location: 5q14.1.
Variant type: single nucleotide variant.
Coding change: c.413A>G on transcript NM_000046.5 (MANE Select); coding-DNA position 413, A replaced by G.
Protein change: p.Tyr138Cys; replaces tyrosine 138 with cysteine.
Molecular consequence: missense variant.
Genome position (GRCh38, 1-based): chr5:78,969,092, T>C on the plus strand (A>G on the coding strand, the complement: ARSB is on the minus strand). VCF-style: chr5-78969092-T-C. GRCh37 (hg19) VCF-style: chr5-78264915-T-C.
Other names: c.413A>G, p.Tyr138Cys (NM_198709.3); short protein forms Y138C.
Identifiers: ClinVar variation 559779 (VCV000559779.1), dbSNP rs1554088061, ClinGen allele CA360194145.